The following is an entry in ClinVar:

ClinVar aggregate classification (germline): Uncertain significance. Review status: criteria provided, multiple submitters, no conflicts (2 of 4 stars). 2 submissions from 2 submitters: Uncertain significance (2). Last evaluated 2025-12-23.

Allele frequency attached by ClinVar (database versions not stated): gnomAD 0.00002 and 0.00003; TOPMed 0.00003; 1000 Genomes Project 30x 0.00016; 1000 Genomes Project 0.00020.
gnomAD v4.1: 63 of 1,614,164 alleles (0.0039%); highest among the groups gnomAD compares: Admixed American, 0.0067%; no homozygotes.

Submissions (2):

Labcorp Genetics (formerly Invitae), Labcorp
Classification: Uncertain significance. Last evaluated: 2025-12-23. Review status: criteria provided, single submitter. Criteria: Invitae Variant Classification Sherloc (09022015). Collection method: clinical testing. Allele origin: germline.
Comment: This sequence change replaces proline, which is neutral and non-polar, with leucine, which is neutral and non-polar, at codon 208 of the KIF22 protein (p.Pro208Leu). This variant is not present in population databases (gnomAD no frequency). This variant has not been reported in the literature in individuals affected with KIF22-related conditions. ClinVar contains an entry for this variant (Variation ID: 1479997). Invitae Evidence Modeling of protein sequence and biophysical properties (such as structural, functional, and spatial information, amino acid conservation, physicochemical variation, residue mobility, and thermodynamic stability) has been performed for this missense variant. However, the output from this modeling did not meet the statistical confidence thresholds required to predict the impact of this variant on KIF22 protein function. In summary, the available evidence is currently insufficient to determine the role of this variant in disease. Therefore, it has been classified as a Variant of Uncertain Significance.

Ambry Genetics
Classification: Uncertain significance. Last evaluated: 2024-12-23. Review status: criteria provided, single submitter. Criteria: Ambry Variant Classification Scheme 2023. Collection method: clinical testing. Allele origin: germline.

NM_007317.3(KIF22):c.623C>T (p.Pro208Leu)

Gene: KIF22 (kinesin family member 22; plus strand). Cytogenetic location: 16p11.2.
Variant type: single nucleotide variant.
Coding change: c.623C>T on transcript NM_007317.3 (MANE Select); coding-DNA position 623, C replaced by T.
Protein change: p.Pro208Leu; replaces proline 208 with leucine.
Molecular consequence: missense variant.
Genome position (GRCh38, 1-based): chr16:29,799,048, C>T. VCF-style: chr16-29799048-C-T. GRCh37 (hg19) VCF-style: chr16-29810369-C-T.
Other names: c.623C>T (NM_007317.1); c.419C>T, p.Pro140Leu (NM_001256269.2, NM_001256270.1); short protein forms P140L, P208L.
Identifiers: ClinVar variation 1479997 (VCV001479997.7), dbSNP rs190757548, ClinGen allele CA280385735.